The following is an entry in ClinVar:

NM_007294.4(BRCA1):c.5229A>C (p.Gly1743=)

Gene: BRCA1 (BRCA1 DNA repair associated; minus strand). Cytogenetic location: 17q21.31.
Variant type: single nucleotide variant.
Coding change: c.5229A>C on transcript NM_007294.4 (MANE Select); coding-DNA position 5229, A replaced by C.
Protein change: p.Gly1743=; no amino-acid change (glycine 1743 retained).
Molecular consequence: synonymous variant.
Genome position (GRCh38, 1-based): chr17:43,057,100, T>G on the plus strand (A>C on the coding strand, the complement: BRCA1 is on the minus strand). VCF-style: chr17-43057100-T-G. GRCh37 (hg19) VCF-style: chr17-41209117-T-G.
Other names: c.5016A>C, p.Gly1672= (NM_001407571.1, NM_001407894.1, NM_001407895.1 and 12 more transcripts); c.5295A>C, p.Gly1765= (NM_001407581.1, NM_001407582.1); c.5292A>C, p.Gly1764= (NM_001407583.1, NM_001407585.1, NM_001407587.1 and 1 more transcripts); c.5289A>C, p.Gly1763= (NM_001407590.1, NM_001407591.1); c.5229A>C, p.Gly1743= (NM_001407593.1, NM_001407594.1, NM_001407596.1 and 7 more transcripts); c.5226A>C, p.Gly1742= (NM_001407610.1, NM_001407611.1, NM_001407612.1 and 17 more transcripts); c.5223A>C, p.Gly1741= (NM_001407627.1, NM_001407628.1, NM_001407629.1 and 14 more transcripts); c.5220A>C, p.Gly1740= (NM_001407644.1, NM_001407645.1); and 72 more.
Identifiers: ClinVar variation 867255 (VCV000867255.3), dbSNP rs2051516300, ClinGen allele CA500144738.

Conditions:
Breast-ovarian cancer, familial, susceptibility to, 1 (BROVCA1). Also called: BRCA1 Hereditary Breast and Ovarian Cancer; OVARIAN CANCER, SUSCEPTIBILITY TO. Identifiers: Orphanet 145, MedGen C2676676, MONDO:0011450, OMIM 604370. Disease mechanism: loss of function.

Submission:

Brotman Baty Institute, University of Washington
No classification provided (evidence only). Condition: Breast-ovarian cancer, familial 1. Review status: no classification provided. Collection method: in vitro. Allele origin: not applicable. Functional consequence: functionally_normal.
ClinVar note: "not provided" was previously submitted as the classification for the variant. However, the classification appeared to be based only on an observation of functional data so it was converted to no classification on 2025-07-30.